The following is an entry in ClinVar:

NM_001127671.2(LIFR):c.1174dup (p.Ser392fs)

Gene: LIFR (LIF receptor subunit alpha; minus strand). Cytogenetic location: 5p13.1.
Variant type: Duplication.
Coding change: c.1174dup on transcript NM_001127671.2 (MANE Select); coding-DNA position 1174, one base duplicated (A; older notation c.1174dupA).
Protein change: p.Ser392fs; shifts the reading frame from serine 392.
Molecular consequence: frameshift variant.
Genome position (GRCh38, 1-based): chr5:38,506,022, T duplicated on the plus strand (A on the coding strand, the reverse complement: LIFR is on the minus strand); the first of 3 consecutive T bases (chr5:38,506,022-38,506,024); duplicating any one gives the same sequence. VCF-style (leftmost placement, unchanged base first): chr5-38506021-C-CT. GRCh37 (hg19) VCF-style: chr5-38506123-C-CT.
Other names: c.1174dup, p.Ser392fs (NM_001364297.2, NM_001364298.2, NM_002310.6); short protein forms S392fs.
Identifiers: ClinVar variation 2829503 (VCV002829503.4), dbSNP rs2531044671, ClinGen allele CA2739274683.

ClinVar aggregate classification (germline): Pathogenic (1 of 4 stars; one submission).

Submission:

Labcorp Genetics (formerly Invitae), Labcorp
Classification: Pathogenic. Last evaluated: 2023-01-17. Review status: criteria provided, single submitter. Criteria: Invitae Variant Classification Sherloc (09022015). Collection method: clinical testing. Allele origin: germline.
Comment: For these reasons, this variant has been classified as Pathogenic. This variant has not been reported in the literature in individuals affected with LIFR-related conditions. This variant is not present in population databases (gnomAD no frequency). This sequence change creates a premature translational stop signal (p.Ser392Lysfs*16) in the LIFR gene. It is expected to result in an absent or disrupted protein product. Loss-of-function variants in LIFR are known to be pathogenic (PMID: 14740318).

Literature cited by the submitters: PubMed 14740318.